The following is an entry in ClinVar:

NM_181882.3(PRX):c.2921_2941del (p.Glu974_Ala980del)

Gene: PRX (periaxin; minus strand). Cytogenetic location: 19q13.2.
Variant type: Deletion.
Coding change: c.2921_2941del on transcript NM_181882.3 (MANE Select); coding-DNA positions 2921 to 2941, 21 bases deleted (AGGCTGAGGCCAAAGGGGCTG).
Protein change: p.Glu974_Ala980del.
Molecular consequence: inframe deletion. On other transcripts: 3 prime UTR variant (1).
Genome position (GRCh38, 1-based): chr19:40,395,411-40,395,431, CAGCCCCTTTGGCCTCAGCCT deleted on the plus strand (AGGCTGAGGCCAAAGGGGCTG on the coding strand, the reverse complement: PRX is on the minus strand); deleting any 21 consecutive bases within chr19:40,395,411-40,395,438 gives the same sequence; the c. name uses the placement nearest the transcript's 3' end. VCF-style (leftmost placement, unchanged base first): chr19-40395410-CCAGCCCCTTTGGCCTCAGCCT-C. GRCh37 (hg19) VCF-style: chr19-40901317-CCAGCCCCTTTGGCCTCAGCCT-C.
Other names: c.2921_2941delAGGCTGAGGCCAAAGGGGCTG (NM_181882.2); c.*3126_*3146del (NM_020956.2).
Identifiers: ClinVar variation 653405 (VCV000653405.8), dbSNP rs748965299, ClinGen allele CA9443951.

ClinVar aggregate classification (germline): Uncertain significance (1 of 4 stars; one submission).

Conditions:
Charcot-Marie-Tooth disease type 4. Also called: Charcot-Marie-Tooth, Type 4; Charcot-Marie-Tooth disease, type IV. Identifiers: Orphanet 64749, MedGen C4082197, MONDO:0018995.

Submission:

Labcorp Genetics (formerly Invitae), Labcorp
Classification: Uncertain significance for Charcot-Marie-Tooth disease type 4. Last evaluated: 2021-09-01. Review status: criteria provided, single submitter. Criteria: Invitae Variant Classification Sherloc (09022015). Collection method: clinical testing. Allele origin: germline.
Comment: This variant, c.2921_2941del, results in the deletion of 7 amino acid(s) of the PRX protein (p.Glu974_Ala980del), but otherwise preserves the integrity of the reading frame. The frequency data for this variant in the population databases is considered unreliable, as metrics indicate poor data quality at this position in the ExAC database. This variant has not been reported in the literature in individuals affected with PRX-related conditions. Experimental studies and prediction algorithms are not available or were not evaluated, and the functional significance of this variant is currently unknown. In summary, the available evidence is currently insufficient to determine the role of this variant in disease. Therefore, it has been classified as a Variant of Uncertain Significance.